The following is an entry in ClinVar:

NM_013266.4(CTNNA3):c.1790C>T (p.Ser597Leu)

Gene: CTNNA3 (catenin alpha 3; minus strand). Cytogenetic location: 10q21.3.
Variant type: single nucleotide variant.
Coding change: c.1790C>T on transcript NM_013266.4 (MANE Select); coding-DNA position 1790, C replaced by T.
Protein change: p.Ser597Leu; replaces serine 597 with leucine.
Molecular consequence: missense variant.
Genome position (GRCh38, 1-based): chr10:66,280,564, G>A on the plus strand (C>T on the coding strand, the complement: CTNNA3 is on the minus strand). VCF-style: chr10-66280564-G-A. GRCh37 (hg19) VCF-style: chr10-68040322-G-A.
Other names: c.1790C>T, p.Ser597Leu (NM_001127384.3); short protein forms S597L.
Identifiers: ClinVar variation 409024 (VCV000409024.11), dbSNP rs780346090, ClinGen allele CA16612824.

ClinVar aggregate classification (germline): Uncertain significance. Review status: criteria provided, multiple submitters, no conflicts (2 of 4 stars). 2 submissions from 2 submitters: Uncertain significance (2). Last evaluated 2025-12-10.

Conditions:
Arrhythmogenic right ventricular dysplasia 13. Also called: ARRHYTHMOGENIC RIGHT VENTRICULAR CARDIOMYOPATHY 13; Arrhythmogenic right ventricular dysplasia, familial, 13. Identifiers: MedGen C3810138, MONDO:0000908, OMIM 615616.

Allele frequency attached by ClinVar (database versions not stated): TOPMed 0.00005; gnomAD 0.00008 and 0.00009.
gnomAD v4.1: 18 of 1,609,640 alleles (0.0011%); highest among the groups gnomAD compares: African/African-American, 0.021%; no homozygotes.

Submissions (2):

Ambry Genetics
Classification: Uncertain significance. Last evaluated: 2025-12-10. Review status: criteria provided, single submitter. Criteria: Ambry Variant Classification Scheme 2023. Collection method: clinical testing. Allele origin: germline.
Comment: The p.S597L variant (also known as c.1790C>T), located in coding exon 12 of the CTNNA3 gene, results from a C to T substitution at nucleotide position 1790. The serine at codon 597 is replaced by leucine, an amino acid with dissimilar properties. This amino acid position is conserved. In addition, this alteration is predicted to be tolerated by in silico analysis. Since supporting evidence is limited at this time, the clinical significance of this alteration remains unclear.

Labcorp Genetics (formerly Invitae), Labcorp
Classification: Uncertain significance for Arrhythmogenic right ventricular dysplasia 13. Last evaluated: 2024-12-27. Review status: criteria provided, single submitter. Criteria: Invitae Variant Classification Sherloc (09022015). Collection method: clinical testing. Allele origin: germline.
Comment: This sequence change replaces serine, which is neutral and polar, with leucine, which is neutral and non-polar, at codon 597 of the CTNNA3 protein (p.Ser597Leu). This variant is present in population databases (no rsID available, gnomAD 0.03%). This variant has not been reported in the literature in individuals affected with CTNNA3-related conditions. ClinVar contains an entry for this variant (Variation ID: 409024). Invitae Evidence Modeling of protein sequence and biophysical properties (such as structural, functional, and spatial information, amino acid conservation, physicochemical variation, residue mobility, and thermodynamic stability) indicates that this missense variant is not expected to disrupt CTNNA3 protein function with a negative predictive value of 80%. In summary, the available evidence is currently insufficient to determine the role of this variant in disease. Therefore, it has been classified as a Variant of Uncertain Significance.